The following is an entry in ClinVar:

NM_001134407.3(GRIN2A):c.1903G>A (p.Ala635Thr)

Gene: GRIN2A (glutamate ionotropic receptor NMDA type subunit 2A; minus strand). Cytogenetic location: 16p13.2.
Variant type: single nucleotide variant.
Coding change: c.1903G>A on transcript NM_001134407.3 (MANE Select); coding-DNA position 1903, G replaced by A.
Protein change: p.Ala635Thr; replaces alanine 635 with threonine.
Molecular consequence: missense variant.
Genome position (GRCh38, 1-based): chr16:9,829,527, C>T on the plus strand (G>A on the coding strand, the complement: GRIN2A is on the minus strand). VCF-style: chr16-9829527-C-T. GRCh37 (hg19) VCF-style: chr16-9923384-C-T.
Other names: c.1903G>A, p.Ala635Thr (NM_000833.5, NM_001134408.2); short protein forms A635T.
Identifiers: ClinVar variation 985807 (VCV000985807.6), dbSNP rs2042449005, ClinGen allele CA394799480.

ClinVar aggregate classification (germline): Pathogenic/Likely pathogenic. Review status: criteria provided, multiple submitters, no conflicts (2 of 4 stars). 3 submissions from 3 submitters: Pathogenic (1); Likely pathogenic (2). Last evaluated 2024-08-05.

Conditions:
Landau-Kleffner syndrome (FESD). Also called: EPILEPSY, FOCAL, WITH SPEECH DISORDER AND WITH OR WITHOUT MENTAL RETARDATION; APHASIA, ACQUIRED, WITH EPILEPSY. Identifiers: Orphanet 1945, Orphanet 725, Orphanet 98818, MedGen C0282512, MONDO:0009509, OMIM 245570.
Inborn genetic diseases. Identifiers: MedGen C0950123, MeSH D030342.

Submissions (3):

Labcorp Genetics (formerly Invitae), Labcorp
Classification: Pathogenic for Landau-Kleffner syndrome. Last evaluated: 2024-08-05. Review status: criteria provided, single submitter. Criteria: Invitae Variant Classification Sherloc (09022015). Collection method: clinical testing. Allele origin: germline.
Comment: This sequence change replaces alanine, which is neutral and non-polar, with threonine, which is neutral and polar, at codon 635 of the GRIN2A protein (p.Ala635Thr). This variant is not present in population databases (gnomAD no frequency). This missense change has been observed in individual(s) with developmental and epileptic encephalopathy (PMID: 30544257, 32593896, 33258288; Invitae). In at least one individual the variant was observed to be de novo. ClinVar contains an entry for this variant (Variation ID: 985807). Advanced modeling of protein sequence and biophysical properties (such as structural, functional, and spatial information, amino acid conservation, physicochemical variation, residue mobility, and thermodynamic stability) performed at Invitae indicates that this missense variant is expected to disrupt GRIN2A protein function with a positive predictive value of 95%. For these reasons, this variant has been classified as Pathogenic.

Ambry Genetics
Classification: Likely pathogenic for Inborn genetic diseases. Last evaluated: 2019-05-17. Review status: criteria provided, single submitter. Criteria: Ambry exome assertion method (8-5-2015). Collection method: clinical testing. Allele origin: germline. Affected: yes. Observed: 1 variant allele.

Institute of Human Genetics, University of Leipzig Medical Center
Classification: Likely pathogenic for Landau-Kleffner syndrome. Last evaluated: 2019-01-01. Review status: criteria provided, single submitter. Criteria: ACMG Guidelines, 2015. Collection method: research. Allele origin: de novo. Affected: yes.

Literature cited by the submitters: PubMed 30544257 (cited by 3 submitters); PubMed 32593896 (cited by Labcorp Genetics (formerly Invitae), Labcorp); PubMed 33258288 (cited by Labcorp Genetics (formerly Invitae), Labcorp).